The following is an entry in ClinVar:

NM_016148.5(SHANK1):c.589C>T (p.Arg197Trp)

Gene: SHANK1 (SH3 and multiple ankyrin repeat domains 1; minus strand). Cytogenetic location: 19q13.33.
Variant type: single nucleotide variant.
Coding change: c.589C>T on transcript NM_016148.5 (MANE Select); coding-DNA position 589, C replaced by T.
Protein change: p.Arg197Trp; replaces arginine 197 with tryptophan.
Molecular consequence: missense variant.
Genome position (GRCh38, 1-based): chr19:50,714,233, G>A on the plus strand (C>T on the coding strand, the complement: SHANK1 is on the minus strand). VCF-style: chr19-50714233-G-A. GRCh37 (hg19) VCF-style: chr19-51217490-G-A.
Other names: short protein forms R197W.
Identifiers: ClinVar variation 2634468 (VCV002634468.3), dbSNP rs756811356, ClinGen allele CA9602125.

ClinVar aggregate classification (germline): Uncertain significance (0 of 4 stars; one submission).

Conditions:
SHANK1-related disorder. Also called: SHANK1-related condition.

Allele frequency attached by ClinVar (database versions not stated): gnomAD 0.00001; ExAC 0.00002; gnomAD exomes 0.00002.
gnomAD v4.1: 34 of 1,613,960 alleles (0.0021%); highest among the groups gnomAD compares: Non-Finnish European, 0.0025%; no homozygotes.

Submission:

PreventionGenetics, part of Exact Sciences
Classification: Uncertain significance for SHANK1-related condition. Last evaluated: 2023-10-18. Review status: no assertion criteria provided. Collection method: clinical testing. Allele origin: germline.
Comment: The SHANK1 c.589C>T variant is predicted to result in the amino acid substitution p.Arg197Trp. This variant was reported as a paternally-inherited variant in an individual with autism spectrum disorder (Guo et al. 2018. PubMed ID: 30564305, supplementary data). This variant is reported in 0.0033% of alleles in individuals of South Asian descent in gnomAD. At this time, the clinical significance of this variant is uncertain due to the absence of conclusive functional and genetic evidence.